The following is an entry in ClinVar:

NM_001130009.3(GEN1):c.1642C>G (p.Leu548Val)

Gene: GEN1 (GEN1 Holliday junction 5' flap endonuclease; plus strand). Cytogenetic location: 2p24.2.
Variant type: single nucleotide variant.
Coding change: c.1642C>G on transcript NM_001130009.3 (MANE Select); coding-DNA position 1642, C replaced by G.
Protein change: p.Leu548Val; replaces leucine 548 with valine.
Molecular consequence: missense variant.
Genome position (GRCh38, 1-based): chr2:17,780,854, C>G. VCF-style: chr2-17780854-C-G. GRCh37 (hg19) VCF-style: chr2-17962121-C-G.
Other names: c.1642C>G, p.Leu548Val (NM_182625.5); short protein forms L548V.
Identifiers: ClinVar variation 3853607 (VCV003853607.1).

ClinVar aggregate classification (germline): Uncertain significance (1 of 4 stars; one submission).

gnomAD v4.1: 5 of 1,613,946 alleles (0.00031%); highest among the groups gnomAD compares: Non-Finnish European, 0.00042%; no homozygotes.

Submission:

Ambry Genetics
Classification: Uncertain significance. Last evaluated: 2025-03-01. Review status: criteria provided, single submitter. Criteria: Ambry Variant Classification Scheme 2023. Collection method: clinical testing. Allele origin: germline.
Comment: The p.L548V variant (also known as c.1642C>G), located in coding exon 13 of the GEN1 gene, results from a C to G substitution at nucleotide position 1642. The leucine at codon 548 is replaced by valine, an amino acid with highly similar properties. This amino acid position is conserved. In addition, this alteration is predicted to be tolerated by in silico analysis. Based on the available evidence, the clinical significance of this variant remains unclear.